The following is an entry in ClinVar:

ClinVar aggregate classification (germline): Benign/Likely benign. Review status: criteria provided, multiple submitters, no conflicts (2 of 4 stars). 9 submissions from 7 submitters: Benign (8); Likely benign (1). Last evaluated 2026-02-04.

Conditions:
Age related macular degeneration 9. Identifiers: MedGen C1969651, MONDO:0012659, OMIM 611378.
Atypical hemolytic-uremic syndrome with C3 anomaly. Also called: AHUS, SUSCEPTIBILITY TO, 5. Identifiers: Orphanet 2134, MedGen C2752037, MONDO:0013043, OMIM 612925.
Complement component 3 deficiency. Identifiers: Orphanet 280133, MedGen C3151071, MONDO:0013417, OMIM 613779.

Allele frequency attached by ClinVar (database versions not stated): 1000 Genomes Project 30x 0.07792; 1000 Genomes Project 0.08007; ESP Exome Variant Server 0.08227; TOPMed 0.09910; gnomAD 0.10489 and 0.10608; gnomAD exomes 0.11242 and 0.12131; ExAC 0.11351.
gnomAD v4.1: 192,906 of 1,611,662 alleles (12%); highest among the groups gnomAD compares: Non-Finnish European, 13%; 12,376 homozygotes.

Submissions (9):

Labcorp Genetics (formerly Invitae), Labcorp
Classification: Benign. Last evaluated: 2026-02-04. Review status: criteria provided, single submitter. Criteria: Invitae Variant Classification Sherloc (09022015). Collection method: clinical testing. Allele origin: germline.

Women's Health and Genetics/Laboratory Corporation of America, LabCorp
Classification: Benign. Last evaluated: 2026-01-21. Review status: criteria provided, single submitter. Criteria: LabCorp Variant Classification Summary - May 2015. Collection method: clinical testing. Allele origin: germline.

Blueprint Genetics
Classification: Likely benign. Last evaluated: 2024-11-28. Review status: criteria provided, single submitter. Criteria: ACMG Guidelines, 2015. Collection method: clinical testing. Allele origin: germline.

Mayo Clinic Laboratories, Mayo Clinic
Classification: Benign. Last evaluated: 2022-03-10. Review status: criteria provided, single submitter. Criteria: ACMG Guidelines, 2015. Collection method: clinical testing. Allele origin: germline. Observed: 582 variant alleles.

GeneDx
Classification: Benign. Last evaluated: 2021-06-09. Review status: criteria provided, single submitter. Criteria: GeneDx Variant Classification Process June 2021. Collection method: clinical testing. Allele origin: germline. Affected: yes.

Illumina Laboratory Services, Illumina
Classification: Benign for Atypical hemolytic-uremic syndrome with C3 anomaly. Last evaluated: 2018-01-12. Review status: criteria provided, single submitter. Criteria: ICSL Variant Classification Criteria 13 December 2019. Collection method: clinical testing. Allele origin: germline.
Comment: This variant was observed in the ICSL laboratory as part of a predisposition screen in an ostensibly healthy population. It had not been previously curated by ICSL or reported in the Human Gene Mutation Database (HGMD: prior to June 1st, 2018), and was therefore a candidate for classification through an automated scoring system. Utilizing variant allele frequency, disease prevalence and penetrance estimates, and inheritance mode, an automated score was calculated to assess if this variant is too frequent to cause the disease. Based on the score and internal cut-off values, a variant classified as benign is not then subjected to further curation. The score for this variant resulted in a classification of benign for this disease.

Illumina Laboratory Services, Illumina
Classification: Benign for Age related macular degeneration 9. Last evaluated: 2018-01-12. Review status: criteria provided, single submitter. Criteria: ICSL Variant Classification Criteria 13 December 2019. Collection method: clinical testing. Allele origin: germline.
Comment: the same text as in the submission from Illumina Laboratory Services, Illumina above.

Illumina Laboratory Services, Illumina
Classification: Benign for Complement component 3 deficiency. Last evaluated: 2018-01-12. Review status: criteria provided, single submitter. Criteria: ICSL Variant Classification Criteria 13 December 2019. Collection method: clinical testing. Allele origin: germline.
Comment: the same text as in the submission from Illumina Laboratory Services, Illumina above.

Breakthrough Genomics
Classification: Benign. Review status: criteria provided, single submitter. Criteria: ACMG Guidelines, 2015. Collection method: not provided. Allele origin: germline. Inheritance: Autosomal recessive inheritance. Affected: yes.

NM_000064.4(C3):c.3391-6T>C

Gene: C3 (complement C3; minus strand). Cytogenetic location: 19p13.3.
Variant type: single nucleotide variant.
Coding change: c.3391-6T>C on transcript NM_000064.4 (MANE Select); 6 bases into the intron before coding-DNA position 3391, T replaced by C.
Molecular consequence: intron variant.
Genome position (GRCh38, 1-based): chr19:6,690,733, A>G on the plus strand (T>C on the coding strand, the complement: C3 is on the minus strand). VCF-style: chr19-6690733-A-G. GRCh37 (hg19) VCF-style: chr19-6690744-A-G.
Other names: p.?.
Identifiers: ClinVar variation 894715 (VCV000894715.18), dbSNP rs11569509, ClinGen allele CA9128744.